The following is an entry in ClinVar:

ClinVar aggregate classification (germline): Uncertain significance (1 of 4 stars; one submission).

Submission:

Labcorp Genetics (formerly Invitae), Labcorp
Classification: Uncertain significance. Last evaluated: 2022-03-09. Review status: criteria provided, single submitter. Criteria: Invitae Variant Classification Sherloc (09022015). Collection method: clinical testing. Allele origin: germline.
Comment: In summary, the available evidence is currently insufficient to determine the role of this variant in disease. Therefore, it has been classified as a Variant of Uncertain Significance. This variant has not been reported in the literature in individuals affected with IMPG1-related conditions. This variant results in a copy number gain of the genomic region encompassing exon(s) 13-17 of the IMPG1 gene. This region includes the termination codon of the gene. This copy number gain extends beyond the assayed region for this gene and therefore may encompass additional genes. As the precise location of this event is unknown, it may be in tandem or it may be located elsewhere in the genome.

NC_000006.11:g.(?_76527265)_(76660831_?)dup

Genes: IMPG1 (interphotoreceptor matrix proteoglycan 1; minus strand), MYO6 (myosin VI; plus strand). Cytogenetic location: 6q14.1.
Variant type: Duplication.
Identifiers: ClinVar variation 2424203 (VCV002424203.4).